The following is an entry in ClinVar:

ClinVar aggregate classification (germline): Uncertain significance. Review status: criteria provided, multiple submitters, no conflicts (2 of 4 stars). 2 submissions from 2 submitters: Uncertain significance (2). Last evaluated 2023-06-22.

Conditions:
Primary familial hypertrophic cardiomyopathy (HCM). Identifiers: Orphanet 99739, MedGen C0949658, MeSH D024741, MONDO:0024573. Inheritance: Various modes of inheritance.
Dilated cardiomyopathy 1AA (CMD1AA). Also called: CARDIOMYOPATHY, DILATED, 1AA, WITH OR WITHOUT LEFT VENTRICULAR NONCOMPACTION; CARDIOMYOPATHY, FAMILIAL HYPERTROPHIC, 23, WITH OR WITHOUT LEFT VENTRICULAR NONCOMPACTION; Cardiomyopathy, dilated, 1AA, with or without LVNC. Identifiers: Orphanet 154, MedGen C2677338, MONDO:0012808, OMIM 612158.
Cardiovascular phenotype. Identifiers: MedGen CN230736.

Allele frequency attached by ClinVar (database versions not stated): ExAC 0.00002; ESP Exome Variant Server 0.00008.
gnomAD v4.1: 8 of 1,614,152 alleles (0.0005%); highest among the groups gnomAD compares: Non-Finnish European, 0.00059%; no homozygotes.

Submissions (2):

Labcorp Genetics (formerly Invitae), Labcorp
Classification: Uncertain significance for Primary familial hypertrophic cardiomyopathy; Dilated cardiomyopathy 1AA. Last evaluated: 2023-06-22. Review status: criteria provided, single submitter. Criteria: Invitae Variant Classification Sherloc (09022015). Collection method: clinical testing. Allele origin: germline.
Comment: In summary, the available evidence is currently insufficient to determine the role of this variant in disease. Therefore, it has been classified as a Variant of Uncertain Significance. Advanced modeling of protein sequence and biophysical properties (such as structural, functional, and spatial information, amino acid conservation, physicochemical variation, residue mobility, and thermodynamic stability) performed at Invitae indicates that this missense variant is not expected to disrupt ACTN2 protein function. ClinVar contains an entry for this variant (Variation ID: 1792183). This variant has not been reported in the literature in individuals affected with ACTN2-related conditions. This variant is present in population databases (rs376981679, gnomAD 0.002%). This sequence change replaces arginine, which is basic and polar, with serine, which is neutral and polar, at codon 83 of the ACTN2 protein (p.Arg83Ser).

Ambry Genetics
Classification: Uncertain significance for Cardiovascular phenotype. Last evaluated: 2022-04-03. Review status: criteria provided, single submitter. Criteria: Ambry Variant Classification Scheme 2023. Collection method: clinical testing. Allele origin: germline.
Comment: The p.R83S variant (also known as c.249G>C), located in coding exon 3 of the ACTN2 gene, results from a G to C substitution at nucleotide position 249. The arginine at codon 83 is replaced by serine, an amino acid with dissimilar properties. This amino acid position is conserved. In addition, the in silico prediction for this alteration is inconclusive. Since supporting evidence is limited at this time, the clinical significance of this alteration remains unclear.

NM_001103.4(ACTN2):c.249G>C (p.Arg83Ser)

Gene: ACTN2 (actinin alpha 2; plus strand). Cytogenetic location: 1q43.
Variant type: single nucleotide variant.
Coding change: c.249G>C on transcript NM_001103.4 (MANE Select); coding-DNA position 249, G replaced by C.
Protein change: p.Arg83Ser; replaces arginine 83 with serine.
Molecular consequence: missense variant. On other transcripts: 5 prime UTR variant (1).
Genome position (GRCh38, 1-based): chr1:236,718,901, G>C. VCF-style: chr1-236718901-G-C. GRCh37 (hg19) VCF-style: chr1-236882201-G-C.
Other names: c.249G>C, p.Arg83Ser (NM_001278343.2); c.-573G>C (NM_001278344.2); c.-698G>C (NM_001412150.1); short protein forms R83S.
Identifiers: ClinVar variation 1792183 (VCV001792183.5), dbSNP rs376981679, ClinGen allele CA1472753.